The following is an entry in ClinVar:

ClinVar aggregate classification (germline): Benign/Likely benign. Review status: criteria provided, multiple submitters, no conflicts (2 of 4 stars). 3 submissions from 3 submitters: Benign (2); Likely benign (1). Last evaluated 2023-01-01.

Allele frequency attached by ClinVar (database versions not stated): 1000 Genomes Project 0.00399; 1000 Genomes Project 30x 0.00484; TOPMed 0.00620; ExAC 0.00748; gnomAD 0.00766 and 0.00722; gnomAD exomes 0.00814 and 0.00742; ESP Exome Variant Server 0.00623.
gnomAD v4.1: 12,554 of 1,557,194 alleles (0.81%); highest among the groups gnomAD compares: Non-Finnish European, 0.86%; 68 homozygotes.

Submissions (3):

CeGaT Center for Human Genetics Tuebingen
Classification: Likely benign. Last evaluated: 2023-01-01. Review status: criteria provided, single submitter. Criteria: CeGaT Center For Human Genetics Tuebingen Variant Classification Criteria Version 2. Collection method: clinical testing. Allele origin: germline. Affected: yes. Observed: 1 variant allele.
Comment: HDAC7: BP4, BP7, BS2

Labcorp Genetics (formerly Invitae), Labcorp
Classification: Benign. Last evaluated: 2017-09-28. Review status: criteria provided, single submitter. Criteria: Invitae Variant Classification Sherloc (09022015). Collection method: clinical testing. Allele origin: germline.

Breakthrough Genomics
Classification: Benign. Review status: criteria provided, single submitter. Criteria: ACMG Guidelines, 2015. Collection method: not provided. Allele origin: germline. Inheritance: Unknown mechanism. Affected: yes.

NM_015401.5(HDAC7):c.699C>T (p.Leu233=)

Gene: HDAC7 (histone deacetylase 7; minus strand). Cytogenetic location: 12q13.11.
Variant type: single nucleotide variant.
Coding change: c.699C>T on transcript NM_015401.5 (MANE Select); coding-DNA position 699, C replaced by T.
Protein change: p.Leu233=; no amino-acid change (leucine 233 retained).
Molecular consequence: synonymous variant. On other transcripts: non-coding transcript variant (2).
Genome position (GRCh38, 1-based): chr12:47,797,021, G>A on the plus strand (C>T on the coding strand, the complement: HDAC7 is on the minus strand). VCF-style: chr12-47797021-G-A. GRCh37 (hg19) VCF-style: chr12-48190804-G-A.
Other names: c.699C>T, p.Leu233= (NM_001098416.4); c.648C>T, p.Leu216= (NM_001308090.2); c.741C>T, p.Leu247= (NM_001368046.1).
Identifiers: ClinVar variation 773543 (VCV000773543.28), dbSNP rs141182137, ClinGen allele CA6533459.